The following is an entry in ClinVar:

NM_001003722.2(GLE1):c.1090_1091dup (p.Ala365fs)

Gene: GLE1 (GLE1 RNA export mediator; plus strand). Cytogenetic location: 9q34.11.
Variant type: Duplication.
Coding change: c.1090_1091dup on transcript NM_001003722.2 (MANE Select); coding-DNA positions 1090 to 1091, 2 bases duplicated (CC; older notation c.1090_1091dupCC).
Protein change: p.Ala365fs; shifts the reading frame from alanine 365.
Molecular consequence: frameshift variant.
Genome position (GRCh38, 1-based): chr9:128,525,384-128,525,385, CC duplicated; duplicating any 2 consecutive bases within chr9:128,525,381-128,525,385 gives the same sequence; the c. name uses the placement nearest the transcript's 3' end. VCF-style (leftmost placement, unchanged base first): chr9-128525380-G-GCC. GRCh37 (hg19) VCF-style: chr9-131287659-G-GCC.
Other names: c.1090_1091dup, p.Ala365Glnfs (NM_001411013.1); c.1090_1091dup, p.Ala365fs (NM_001499.2); short protein forms A365fs.
Identifiers: ClinVar variation 2135422 (VCV002135422.4), dbSNP rs2540602131, ClinGen allele CA2580079722.

ClinVar aggregate classification (germline): Pathogenic (1 of 4 stars; one submission).

Submission:

Labcorp Genetics (formerly Invitae), Labcorp
Classification: Pathogenic. Last evaluated: 2022-05-08. Review status: criteria provided, single submitter. Criteria: Invitae Variant Classification Sherloc (09022015). Collection method: clinical testing. Allele origin: germline.
Comment: For these reasons, this variant has been classified as Pathogenic. This variant has not been reported in the literature in individuals affected with GLE1-related conditions. This variant is not present in population databases (gnomAD no frequency). This sequence change creates a premature translational stop signal (p.Ala365Glnfs*17) in the GLE1 gene. It is expected to result in an absent or disrupted protein product. Loss-of-function variants in GLE1 are known to be pathogenic (PMID: 18204449, 24243016, 27684565).

Literature cited by the submitters: PubMed 18204449; PubMed 24243016; PubMed 27684565.